The following is an entry in ClinVar:

NM_001378120.1(MBD5):c.4294G>A (p.Gly1432Arg)

Gene: MBD5 (methyl-CpG binding domain protein 5; plus strand). Cytogenetic location: 2q23.1.
Variant type: single nucleotide variant.
Coding change: c.4294G>A on transcript NM_001378120.1 (MANE Select); coding-DNA position 4294, G replaced by A.
Protein change: p.Gly1432Arg; replaces glycine 1432 with arginine.
Molecular consequence: missense variant.
Genome position (GRCh38, 1-based): chr2:148,489,926, G>A. VCF-style: chr2-148489926-G-A. GRCh37 (hg19) VCF-style: chr2-149247495-G-A.
Other names: p.G1199R:GGG>AGG; c.3595G>A, p.Gly1199Arg (NM_018328.5); short protein forms G1199R, G1432R.
Identifiers: ClinVar variation 206104 (VCV000206104.15), dbSNP rs201334086, ClinGen allele CA315864.
Genomic context (GRCh38, chr2:148,489,926, plus strand): 5'-GGAGATGGGTTTGAATATTTCAAGTCAGCAAGTTGCCACACATCCAAAAAACAGTGGGAC[G>A]GGGAGCAAAGCCCCAGAGGGGAGCGAAACAGGTGGAAGTACGAGGAATTTTTAGATCATC-3'
Protein context (NP_001365049.1, residues 1422-1442): SCHTSKKQWD[Gly1432Arg]EQSPRGERNR

ClinVar aggregate classification (germline): Benign/Likely benign. Review status: criteria provided, multiple submitters, no conflicts (2 of 4 stars). 3 submissions from 3 submitters: Benign (1); Likely benign (2). Last evaluated 2024-10-09.

Conditions:
Intellectual developmental disorder, autosomal dominant 1. Also called: Intellectual disability, autosomal dominant 1; MBD5 Haploinsufficiency. Identifiers: Orphanet 228402, MedGen C1969562, MONDO:0007974, OMIM 156200.

Allele frequency attached by ClinVar (database versions not stated): gnomAD exomes 0.00003 and 0.00007; gnomAD 0.00007; TOPMed 0.00007; ExAC 0.00009; ESP Exome Variant Server 0.00015.
gnomAD v4.1: 64 of 1,613,986 alleles (0.004%); highest among the groups gnomAD compares: Middle Eastern, 0.033%; no homozygotes.

Submissions (3):

Labcorp Genetics (formerly Invitae), Labcorp
Classification: Benign for Intellectual developmental disorder, autosomal dominant 1. Last evaluated: 2024-10-09. Review status: criteria provided, single submitter. Criteria: Invitae Variant Classification Sherloc (09022015). Collection method: clinical testing. Allele origin: germline.

Blueprint Genetics
Classification: Likely benign. Last evaluated: 2024-10-07. Review status: criteria provided, single submitter. Criteria: ACMG Guidelines, 2015. Collection method: clinical testing. Allele origin: germline.

GeneDx
Classification: Likely benign. Last evaluated: 2020-06-17. Review status: criteria provided, single submitter. Criteria: GeneDx Variant Classification Process June 2021. Collection method: clinical testing. Allele origin: germline. Affected: yes.
Comment: This variant is associated with the following publications: (PMID: 27734276)